The following is an entry in ClinVar:

NM_000814.6(GABRB3):c.1080+306G>A

Gene: GABRB3 (gamma-aminobutyric acid type A receptor subunit beta3; minus strand). Cytogenetic location: 15q12.
Variant type: single nucleotide variant.
Coding change: c.1080+306G>A on transcript NM_000814.6 (MANE Select); 306 bases into the intron after coding-DNA position 1080, G replaced by A.
Molecular consequence: intron variant.
Genome position (GRCh38, 1-based): chr15:26,560,626, C>T on the plus strand (G>A on the coding strand, the complement: GABRB3 is on the minus strand). VCF-style: chr15-26560626-C-T. GRCh37 (hg19) VCF-style: chr15-26805773-C-T.
Other names: c.1080+306G>A (NM_021912.5); c.825+306G>A (NM_001278631.2, NM_001191320.2); c.867+306G>A (NM_001191321.3).
Identifiers: ClinVar variation 674175 (VCV000674175.1), dbSNP rs547053788, ClinGen allele CA268154549.

ClinVar aggregate classification (germline): Likely benign (1 of 4 stars; one submission).

Allele frequency attached by ClinVar (database versions not stated): TOPMed 0.00038; 1000 Genomes Project 30x 0.00141; gnomAD 0.00151; 1000 Genomes Project 0.00160.
gnomAD v4.1: 227 of 152,230 alleles (0.15%); highest among the groups gnomAD compares: South Asian, 0.19%; 3 homozygotes.

Submission:

GeneDx
Classification: Likely benign. Last evaluated: 2018-06-19. Review status: criteria provided, single submitter. Criteria: GeneDx Variant Classification (06012015). Collection method: clinical testing. Allele origin: germline. Affected: yes.
Comment: This variant is considered likely benign or benign based on one or more of the following criteria: it is a conservative change, it occurs at a poorly conserved position in the protein, it is predicted to be benign by multiple in silico algorithms, and/or has population frequency not consistent with disease.